The following is an entry in ClinVar:

ClinVar aggregate classification (germline): Uncertain significance (1 of 4 stars; one submission).

Conditions:
Catecholaminergic polymorphic ventricular tachycardia 1. Also called: VENTRICULAR TACHYCARDIA, CATECHOLAMINERGIC POLYMORPHIC, 1, WITH OR WITHOUT ATRIAL DYSFUNCTION AND/OR DILATED CARDIOMYOPATHY; RYR2-Related Catecholaminergic Polymorphic Ventricular Tachycardia; VENTRICULAR TACHYCARDIA, STRESS-INDUCED POLYMORPHIC 1. Identifiers: Orphanet 3286, MedGen C1631597, MONDO:0011484, OMIM 604772.

Submission:

Labcorp Genetics (formerly Invitae), Labcorp
Classification: Uncertain significance for Catecholaminergic polymorphic ventricular tachycardia 1. Last evaluated: 2025-07-14. Review status: criteria provided, single submitter. Criteria: Invitae Variant Classification Sherloc (09022015). Collection method: clinical testing. Allele origin: germline.
Comment: This sequence change replaces alanine, which is neutral and non-polar, with serine, which is neutral and polar, at codon 626 of the TRDN protein (p.Ala626Ser). This variant is not present in population databases (gnomAD no frequency). This variant has not been reported in the literature in individuals affected with TRDN-related conditions. Invitae Evidence Modeling of protein sequence and biophysical properties (such as structural, functional, and spatial information, amino acid conservation, physicochemical variation, residue mobility, and thermodynamic stability) indicates that this missense variant is not expected to disrupt TRDN protein function with a negative predictive value of 80%. In summary, the available evidence is currently insufficient to determine the role of this variant in disease. Therefore, it has been classified as a Variant of Uncertain Significance.

NM_006073.4(TRDN):c.1876G>T (p.Ala626Ser)

Gene: TRDN (triadin; minus strand). Cytogenetic location: 6q22.31.
Variant type: single nucleotide variant.
Coding change: c.1876G>T on transcript NM_006073.4 (MANE Select); coding-DNA position 1876, G replaced by T.
Protein change: p.Ala626Ser; replaces alanine 626 with serine.
Molecular consequence: missense variant.
Genome position (GRCh38, 1-based): chr6:123,255,897, C>A on the plus strand (G>T on the coding strand, the complement: TRDN is on the minus strand). VCF-style: chr6-123255897-C-A. GRCh37 (hg19) VCF-style: chr6-123577042-C-A.
Other names: short protein forms A626S.
Identifiers: ClinVar variation 4741524 (VCV004741524.1).